The following is an entry in ClinVar:

NM_004260.4(RECQL4):c.1843C>T (p.His615Tyr)

Gene: RECQL4 (RecQ like helicase 4; minus strand). Cytogenetic location: 8q24.3.
Variant type: single nucleotide variant.
Coding change: c.1843C>T on transcript NM_004260.4 (MANE Select); coding-DNA position 1843, C replaced by T.
Protein change: p.His615Tyr; replaces histidine 615 with tyrosine.
Molecular consequence: missense variant. On other transcripts: non-coding transcript variant (3).
Genome position (GRCh38, 1-based): chr8:144,514,224, G>A on the plus strand (C>T on the coding strand, the complement: RECQL4 is on the minus strand). VCF-style: chr8-144514224-G-A. GRCh37 (hg19) VCF-style: chr8-145739608-G-A.
Other names: c.1747C>T, p.His583Tyr (NM_001413017.1, NM_001413020.1); c.1843C>T, p.His615Tyr (NM_001413018.1, NM_001413019.1, NM_001413036.1); c.772C>T, p.His258Tyr (NM_001413021.1, NM_001413022.1, NM_001413023.1 and 6 more transcripts); c.1714C>T, p.His572Tyr (NM_001413025.1); c.706C>T, p.His236Tyr (NM_001413027.1, NM_001413030.1, NM_001413032.1 and 1 more transcripts); c.1492C>T, p.His498Tyr (NM_001413029.1); c.574C>T, p.His192Tyr (NM_001413031.1); c.1711C>T, p.His571Tyr (NM_001413033.1); and 4 more; short protein forms H258Y, H615Y, H192Y, H248Y, H571Y, H583Y, H605Y, H498Y.
Identifiers: ClinVar variation 3944247 (VCV003944247.1).
Genomic context (GRCh38, chr8:144,514,224, plus strand): 5'-CCACCCCAGTTCACATATGGCTCACCTTGCAGACGCGCAGGTAGCAGGGCCGGAAGTTGT[G>A]GGACCACTGGGAGAGGCAGTGGGCCTCATCAATGCAGGCAAAAGCAACTGGAGGCAGCTG-3'
Protein context (NP_004251.4, residues 605-625): DEAHCLSQWS[His615Tyr]NFRPCYLRVC

ClinVar aggregate classification (germline): Uncertain significance (1 of 4 stars; one submission).

Conditions:
Inborn genetic diseases. Identifiers: MedGen C0950123, MeSH D030342.

Submission:

Ambry Genetics
Classification: Uncertain significance for Inborn genetic diseases. Last evaluated: 2025-03-24. Review status: criteria provided, single submitter. Criteria: Ambry Variant Classification Scheme 2023. Collection method: clinical testing. Allele origin: germline.
Comment: The p.H615Y variant (also known as c.1843C>T), located in coding exon 11 of the RECQL4 gene, results from a C to T substitution at nucleotide position 1843. The histidine at codon 615 is replaced by tyrosine, an amino acid with similar properties. This amino acid position is conserved. In addition, this alteration is predicted to be deleterious by in silico analysis. Based on the available evidence, the clinical significance of this variant remains unclear.